The following is an entry in ClinVar:

NM_001148.6(ANK2):c.7906G>A (p.Glu2636Lys)

Genes: ANK2 (ankyrin 2; plus strand), LOC126807137 (CDK7 strongly-dependent group 2 enhancer GRCh37_chr4:114276560-114277759; plus strand). Cytogenetic location: 4q26.
Variant type: single nucleotide variant.
Coding change: c.7906G>A on transcript NM_001148.6 (MANE Select); coding-DNA position 7906, G replaced by A.
Protein change: p.Glu2636Lys; replaces glutamic acid 2636 with lysine.
Molecular consequence: missense variant. On other transcripts: intron variant (68).
Genome position (GRCh38, 1-based): chr4:113,356,524, G>A. VCF-style: chr4-113356524-G-A. GRCh37 (hg19) VCF-style: chr4-114277680-G-A.
Other names: c.7672G>A, p.Glu2558Lys (NM_001386142.1); c.4306G>A, p.Glu1436Lys (NM_001386166.1); c.8047G>A, p.Glu2683Lys (NM_001386174.1); c.8023G>A, p.Glu2675Lys (NM_001386175.1); c.4412-4299G>A (NM_001386186.2, NM_001386148.2); c.4214-4299G>A (NM_001354269.3); c.4292-4299G>A (NM_001386187.2); c.4253-4299G>A (NM_001386147.1); and 35 more; short protein forms E2636K, E2558K, E2675K, E1436K, E2683K.
Identifiers: ClinVar variation 2617968 (VCV002617968.2), dbSNP rs774315528, ClinGen allele CA3051671.

ClinVar aggregate classification (germline): Uncertain significance (1 of 4 stars; one submission).

Conditions:
Cardiovascular phenotype. Identifiers: MedGen CN230736.

Allele frequency attached by ClinVar (database versions not stated): gnomAD exomes below 0.00001; TOPMed below 0.00001; ExAC 0.00001.
gnomAD v4.1: 6 of 1,614,150 alleles (0.00037%); highest among the groups gnomAD compares: Middle Eastern, 0.016%; no homozygotes.

Submission:

Ambry Genetics
Classification: Uncertain significance for Cardiovascular phenotype. Last evaluated: 2024-01-13. Review status: criteria provided, single submitter. Criteria: Ambry Variant Classification Scheme 2023. Collection method: clinical testing. Allele origin: germline.
Comment: The p.E2636K variant (also known as c.7906G>A), located in coding exon 38 of the ANK2 gene, results from a G to A substitution at nucleotide position 7906. The glutamic acid at codon 2636 is replaced by lysine, an amino acid with similar properties. This amino acid position is conserved. In addition, this alteration is predicted to be tolerated by in silico analysis. Since supporting evidence is limited at this time, the clinical significance of this alteration remains unclear.